The following is an entry in ClinVar:

NM_001351132.2(PEX5):c.1280G>T (p.Arg427Leu)

Gene: PEX5 (peroxisomal biogenesis factor 5; plus strand). Cytogenetic location: 12p13.31.
Variant type: single nucleotide variant.
Coding change: c.1280G>T on transcript NM_001351132.2 (MANE Select); coding-DNA position 1280, G replaced by T.
Protein change: p.Arg427Leu; replaces arginine 427 with leucine.
Molecular consequence: missense variant.
Genome position (GRCh38, 1-based): chr12:7,208,555, G>T. VCF-style: chr12-7208555-G-T. GRCh37 (hg19) VCF-style: chr12-7361151-G-T.
Other names: c.1256G>T, p.Arg419Leu (NM_000319.5); c.1325G>T, p.Arg442Leu (NM_001131023.2); c.1169G>T, p.Arg390Leu (NM_001131024.2, NM_001351124.3, NM_001351126.2 and 7 more transcripts); c.1280G>T, p.Arg427Leu (NM_001131025.2, NM_001131026.2, NM_001300789.3 and 4 more transcripts); c.1214G>T, p.Arg405Leu (NM_001351135.3, NM_001351138.2); c.1271G>T, p.Arg424Leu (NM_001351136.2); c.1145G>T, p.Arg382Leu (NM_001351139.2, NM_001351140.2, NM_001374649.2); short protein forms R382L, R427L, R390L, R419L, R405L, R424L, R442L.
Identifiers: ClinVar variation 971496 (VCV000971496.12), dbSNP rs774915360, ClinGen allele CA6426415.

ClinVar aggregate classification (germline): Uncertain significance. Review status: criteria provided, multiple submitters, no conflicts (2 of 4 stars). 4 submissions from 4 submitters: Uncertain significance (4). Last evaluated 2024-10-08.

Conditions:
Inborn genetic diseases. Identifiers: MedGen C0950123, MeSH D030342.
Peroxisome biogenesis disorder 2B (PBD2B). Identifiers: Orphanet 44, MedGen C3550234, MONDO:0008736, OMIM 202370.

gnomAD v4.1: 6 of 1,614,110 alleles (0.00037%); highest among the groups gnomAD compares: Admixed American, 0.0033%; no homozygotes.

Submissions (4):

Blueprint Genetics
Classification: Uncertain significance. Last evaluated: 2024-10-08. Review status: criteria provided, single submitter. Criteria: ACMG Guidelines, 2015. Collection method: clinical testing. Allele origin: germline.

Labcorp Genetics (formerly Invitae), Labcorp
Classification: Uncertain significance for Peroxisome biogenesis disorder 2B. Last evaluated: 2024-04-15. Review status: criteria provided, single submitter. Criteria: Invitae Variant Classification Sherloc (09022015). Collection method: clinical testing. Allele origin: germline.
Comment: This sequence change replaces arginine, which is basic and polar, with leucine, which is neutral and non-polar, at codon 427 of the PEX5 protein (p.Arg427Leu). This variant is present in population databases (rs774915360, gnomAD 0.006%). This variant has not been reported in the literature in individuals affected with PEX5-related conditions. ClinVar contains an entry for this variant (Variation ID: 971496). Advanced modeling of protein sequence and biophysical properties (such as structural, functional, and spatial information, amino acid conservation, physicochemical variation, residue mobility, and thermodynamic stability) performed at Invitae indicates that this missense variant is not expected to disrupt PEX5 protein function with a negative predictive value of 80%. In summary, the available evidence is currently insufficient to determine the role of this variant in disease. Therefore, it has been classified as a Variant of Uncertain Significance.

Ambry Genetics
Classification: Uncertain significance for Inborn genetic diseases. Last evaluated: 2022-11-08. Review status: criteria provided, single submitter. Criteria: Ambry Variant Classification Scheme 2023. Collection method: clinical testing. Allele origin: germline.

Breakthrough Genomics
Classification: Uncertain significance. Review status: criteria provided, single submitter. Criteria: ACMG Guidelines, 2015. Collection method: not provided. Allele origin: germline. Inheritance: Autosomal recessive inheritance. Affected: yes.